The following is an entry in ClinVar:

ClinVar aggregate classification (germline): Likely benign (0 of 4 stars; one submission).

Conditions:
TRAPPC10-related disorder. Also called: TRAPPC10-related condition.

Allele frequency attached by ClinVar (database versions not stated): gnomAD exomes 0.00012; ExAC 0.00035; gnomAD 0.00098; ESP Exome Variant Server 0.00123; TOPMed 0.00135; 1000 Genomes Project 30x 0.00187; 1000 Genomes Project 0.00200.

Submission:

PreventionGenetics, part of Exact Sciences
Classification: Likely benign for TRAPPC10-related condition. Last evaluated: 2022-10-27. Review status: no assertion criteria provided. Collection method: clinical testing. Allele origin: germline.
Comment: This variant is classified as likely benign based on ACMG/AMP sequence variant interpretation guidelines (Richards et al. 2015 PMID: 25741868, with internal and published modifications).

NM_003274.5(TRAPPC10):c.2623G>A (p.Val875Met)

Gene: TRAPPC10 (trafficking protein particle complex subunit 10; plus strand). Cytogenetic location: 21q22.3.
Variant type: single nucleotide variant.
Coding change: c.2623G>A on transcript NM_003274.5 (MANE Select); coding-DNA position 2623, G replaced by A.
Protein change: p.Val875Met; replaces valine 875 with methionine.
Molecular consequence: missense variant.
Genome position (GRCh38, 1-based): chr21:44,087,782, G>A. VCF-style: chr21-44087782-G-A. GRCh37 (hg19) VCF-style: chr21-45507663-G-A.
Other names: c.1222G>A, p.Val408Met (NM_001351709.1); short protein forms V408M, V875M.
Identifiers: ClinVar variation 3048396 (VCV003048396.2), dbSNP rs115506565, ClinGen allele CA10050873.